The following is an entry in ClinVar:

ClinVar aggregate classification (germline): Benign/Likely benign. Review status: criteria provided, multiple submitters, no conflicts (2 of 4 stars). 3 submissions from 3 submitters: Benign (1); Likely benign (2). Last evaluated 2026-05-22.

Conditions:
Hereditary nonpolyposis colorectal neoplasms. Identifiers: MedGen C0009405, MeSH D003123.
Hereditary cancer-predisposing syndrome. Also called: Hereditary Cancer Syndrome; Tumor predisposition; Hereditary neoplastic syndrome; Neoplastic Syndromes, Hereditary. Identifiers: Orphanet 140162, MedGen C0027672, MeSH D009386, MONDO:0015356.
Lynch syndrome 5 (LYNCH5). Also called: Hereditary non-polyposis colorectal cancer, type 5; Colorectal cancer, hereditary nonpolyposis, type 5. Identifiers: Orphanet 144, MedGen C1833477, MONDO:0013710, OMIM 614350. Disease mechanism: loss of function.

Submissions (3):

Ambry Genetics
Classification: Likely benign for Hereditary cancer-predisposing syndrome. Last evaluated: 2026-05-22. Review status: criteria provided, single submitter. Criteria: Ambry Variant Classification Scheme 2023. Collection method: clinical testing. Allele origin: germline.

Myriad Genetics, Inc.
Classification: Benign for Lynch syndrome 5. Last evaluated: 2024-12-18. Review status: criteria provided, single submitter. Criteria: Myriad Autosomal Dominant, Autosomal Recessive and X-Linked Classification Criteria (2023). Collection method: clinical testing. Allele origin: unknown.
Comment: This variant is considered benign. This variant is a silent/synonymous amino acid change and it is not expected to impact splicing.

Labcorp Genetics (formerly Invitae), Labcorp
Classification: Likely benign for Hereditary nonpolyposis colorectal neoplasms. Last evaluated: 2022-01-27. Review status: criteria provided, single submitter. Criteria: Invitae Variant Classification Sherloc (09022015). Collection method: clinical testing. Allele origin: germline.

NM_000179.3(MSH6):c.393A>G (p.Val131=)

Gene: MSH6 (mutS homolog 6; plus strand). Cytogenetic location: 2p16.3.
Variant type: single nucleotide variant.
Coding change: c.393A>G on transcript NM_000179.3 (MANE Select); coding-DNA position 393, A replaced by G.
Protein change: p.Val131=; no amino-acid change (valine 131 retained).
Molecular consequence: synonymous variant. On other transcripts: 5 prime UTR variant (2), intron variant (1).
Genome position (GRCh38, 1-based): chr2:47,791,059, A>G. VCF-style: chr2-47791059-A-G. GRCh37 (hg19) VCF-style: chr2-48018198-A-G.
Other names: c.-344A>G (NM_001281493.2); c.-510A>G (NM_001281494.2); c.238-7552A>G (NM_001281492.2).
Identifiers: ClinVar variation 416168 (VCV000416168.11), dbSNP rs752488540, ClinGen allele CA16611096.